The following is an entry in ClinVar:

NM_032383.5(HPS3):c.1051_1052insCATGT (p.Val351fs)

Gene: HPS3 (HPS3 biogenesis of lysosomal organelles complex 2 subunit 1; plus strand). Cytogenetic location: 3q24.
Variant type: Insertion.
Coding change: c.1051_1052insCATGT on transcript NM_032383.5 (MANE Select); coding-DNA positions 1051 to 1052, CATGT inserted.
Protein change: p.Val351fs; shifts the reading frame from valine 351.
Molecular consequence: frameshift variant.
Genome position: GRCh38 VCF-style: chr3-149145434-G-GCATGT. GRCh37 (hg19) VCF-style: chr3-148863221-G-GCATGT.
Other names: c.556_557insCATGT, p.Val186fs (NM_001308258.2); short protein forms V186fs, V351fs.
Identifiers: ClinVar variation 5012670 (VCV005012670.1).

ClinVar aggregate classification (germline): Pathogenic (1 of 4 stars; one submission).

Conditions:
Hermansky-Pudlak syndrome 3 (HPS3). Identifiers: Orphanet 231512, Orphanet 79430, MedGen C3888001, MONDO:0013555, OMIM 614072.

Submission:

Myriad Genetics, Inc.
Classification: Pathogenic for Hermansky-Pudlak syndrome 3. Last evaluated: 2024-01-22. Review status: criteria provided, single submitter. Criteria: Myriad Autosomal Dominant, Autosomal Recessive and X-Linked Classification Criteria (2023). Collection method: clinical testing. Allele origin: unknown.
Comment: NM_032383.3(HPS3):c.1051_1052ins5(V351Afs*15) is expected to be pathogenic in the context of Hermansky-Pudlak syndrome, HPS3-related. This variant is predicted to lead to an abnormal or absent protein product due to the creation of a premature termination codon in HPS3, a gene where loss-of-function variants are known to be pathogenic. Please note: this variant was assessed in the context of healthy population screening.